The following is an entry in ClinVar:

ClinVar aggregate classification (germline): Uncertain significance (1 of 4 stars; one submission).

Allele frequency attached by ClinVar (database versions not stated): TOPMed below 0.00001.
gnomAD v4.1: 15 of 1,614,020 alleles (0.00093%); highest among the groups gnomAD compares: Non-Finnish European, 0.0012%; no homozygotes.

Submission:

Labcorp Genetics (formerly Invitae), Labcorp
Classification: Uncertain significance. Last evaluated: 2024-09-06. Review status: criteria provided, single submitter. Criteria: Invitae Variant Classification Sherloc (09022015). Collection method: clinical testing. Allele origin: germline.
Comment: This sequence change replaces proline, which is neutral and non-polar, with serine, which is neutral and polar, at codon 781 of the EXTL3 protein (p.Pro781Ser). This variant is not present in population databases (gnomAD no frequency). This variant has not been reported in the literature in individuals affected with EXTL3-related conditions. ClinVar contains an entry for this variant (Variation ID: 1352368). Invitae Evidence Modeling of protein sequence and biophysical properties (such as structural, functional, and spatial information, amino acid conservation, physicochemical variation, residue mobility, and thermodynamic stability) indicates that this missense variant is not expected to disrupt EXTL3 protein function with a negative predictive value of 80%. In summary, the available evidence is currently insufficient to determine the role of this variant in disease. Therefore, it has been classified as a Variant of Uncertain Significance.

NM_001440.4(EXTL3):c.2341C>T (p.Pro781Ser)

Gene: EXTL3 (exostosin like glycosyltransferase 3; plus strand). Cytogenetic location: 8p21.1.
Variant type: single nucleotide variant.
Coding change: c.2341C>T on transcript NM_001440.4 (MANE Select); coding-DNA position 2341, C replaced by T.
Protein change: p.Pro781Ser; replaces proline 781 with serine.
Molecular consequence: missense variant. On other transcripts: non-coding transcript variant (1).
Genome position (GRCh38, 1-based): chr8:28,737,583, C>T. VCF-style: chr8-28737583-C-T. GRCh37 (hg19) VCF-style: chr8-28595100-C-T.
Other names: short protein forms P781S.
Identifiers: ClinVar variation 1352368 (VCV001352368.8), dbSNP rs1220474610, ClinGen allele CA370864508.